The following is an entry in ClinVar:

NM_000195.5(HPS1):c.1767G>A (p.Ala589=)

Gene: HPS1 (HPS1 biogenesis of lysosomal organelles complex 3 subunit 1; minus strand). Cytogenetic location: 10q24.2.
Variant type: single nucleotide variant.
Coding change: c.1767G>A on transcript NM_000195.5 (MANE Select); coding-DNA position 1767, G replaced by A.
Protein change: p.Ala589=; no amino-acid change (alanine 589 retained).
Molecular consequence: synonymous variant.
Genome position (GRCh38, 1-based): chr10:98,420,135, C>T on the plus strand (G>A on the coding strand, the complement: HPS1 is on the minus strand). VCF-style: chr10-98420135-C-T. GRCh37 (hg19) VCF-style: chr10-100179892-C-T.
Other names: p.Ala589=; c.795G>A, p.Ala265= (NM_001311345.2, NM_001322487.2, NM_001322489.2); c.1767G>A, p.Ala589= (NM_001322476.2, NM_001322477.2); c.1668G>A, p.Ala556= (NM_001322478.2, NM_001322479.2); c.1506G>A, p.Ala502= (NM_001322480.2, NM_001322481.2); c.1407G>A, p.Ala469= (NM_001322482.2); c.1398G>A, p.Ala466= (NM_001322483.2, NM_001322484.2); c.1299G>A, p.Ala433= (NM_001322485.2).
Identifiers: ClinVar variation 298339 (VCV000298339.19), dbSNP rs79218830, ClinGen allele CA5638890.

ClinVar aggregate classification (germline): Benign/Likely benign. Review status: criteria provided, multiple submitters, no conflicts (2 of 4 stars). 6 submissions from 6 submitters: Benign (4); Likely benign (1). 1 of the submissions does not count toward it. Last evaluated 2026-02-04.

Conditions:
Hermansky-Pudlak syndrome (HPS). Also called: ALBINISM WITH HEMORRHAGIC DIATHESIS AND PIGMENTED RETICULOENDOTHELIAL CELLS. Identifiers: Orphanet 79430, MedGen C0079504, MONDO:0019312.
Hermansky-Pudlak syndrome 1 (HPS1). Also called: DELTA STORAGE POOL DISEASE. Identifiers: Orphanet 231500, Orphanet 79430, MedGen C2931875, MONDO:0008748, OMIM 203300.

Allele frequency attached by ClinVar (database versions not stated): gnomAD exomes 0.00403; ExAC 0.00475; gnomAD 0.01501 and 0.01605; ESP Exome Variant Server 0.01545; 1000 Genomes Project 0.01597; TOPMed 0.01774; 1000 Genomes Project 30x 0.01843.
gnomAD v4.1: 4,690 of 1,613,758 alleles (0.29%); highest among the groups gnomAD compares: African/African-American, 4.9%; 104 homozygotes.

Submissions (6):

Labcorp Genetics (formerly Invitae), Labcorp
Classification: Benign. Last evaluated: 2026-02-04. Review status: criteria provided, single submitter. Criteria: Invitae Variant Classification Sherloc (09022015). Collection method: clinical testing. Allele origin: germline.

Mayo Clinic Laboratories, Mayo Clinic
Classification: Benign. Last evaluated: 2025-09-04. Review status: criteria provided, single submitter. Criteria: ACMG Guidelines, 2015. Collection method: clinical testing. Allele origin: germline. Observed: 8 variant alleles.
Comment: BA1, BS2, BP4, BP7

Blueprint Genetics
Classification: Likely benign. Last evaluated: 2024-11-13. Review status: criteria provided, single submitter. Criteria: ACMG Guidelines, 2015. Collection method: clinical testing. Allele origin: germline.

Illumina Laboratory Services, Illumina
Classification: Benign for Hermansky-Pudlak syndrome 1. Last evaluated: 2018-01-13. Review status: criteria provided, single submitter. Criteria: ICSL Variant Classification Criteria 13 December 2019. Collection method: clinical testing. Allele origin: germline.
Comment: This variant was observed in the ICSL laboratory as part of a predisposition screen in an ostensibly healthy population. It had not been previously curated by ICSL or reported in the Human Gene Mutation Database (HGMD: prior to June 1st, 2018), and was therefore a candidate for classification through an automated scoring system. Utilizing variant allele frequency, disease prevalence and penetrance estimates, and inheritance mode, an automated score was calculated to assess if this variant is too frequent to cause the disease. Based on the score and internal cut-off values, a variant classified as benign is not then subjected to further curation. The score for this variant resulted in a classification of benign for this disease.

Breakthrough Genomics
Classification: Benign. Review status: criteria provided, single submitter. Criteria: ACMG Guidelines, 2015. Collection method: not provided. Allele origin: germline. Inheritance: Autosomal recessive inheritance. Affected: yes.

Natera, Inc.
Classification: Benign for Hermansky-Pudlak syndrome. Last evaluated: 2020-09-16. Review status: no assertion criteria provided. Collection method: clinical testing. Allele origin: germline. Not counted in ClinVar's aggregate classification.